The following is an entry in ClinVar:

ClinVar aggregate classification (germline): Likely benign (1 of 4 stars; one submission).

Allele frequency attached by ClinVar (database versions not stated): 1000 Genomes Project 0.00060; 1000 Genomes Project 30x 0.00109; TOPMed 0.00221; gnomAD 0.00254; ExAC 0.00261; ESP Exome Variant Server 0.00285; gnomAD exomes 0.00297.
gnomAD v4.1: 4,515 of 1,551,758 alleles (0.29%); highest among the groups gnomAD compares: Non-Finnish European, 0.34%; 15 homozygotes.

Submission:

CeGaT Center for Human Genetics Tuebingen
Classification: Likely benign. Last evaluated: 2023-03-01. Review status: criteria provided, single submitter. Criteria: CeGaT Center For Human Genetics Tuebingen Variant Classification Criteria Version 2. Collection method: clinical testing. Allele origin: germline. Affected: yes. Observed: 1 variant allele.
Comment: ZFP62: BP4, BP7, BS2

NM_001172638.2(ZFP62):c.468T>C (p.Leu156=)

Gene: ZFP62 (ZFP62 zinc finger protein; minus strand). Cytogenetic location: 5q35.3.
Variant type: single nucleotide variant.
Coding change: c.468T>C on transcript NM_001172638.2 (MANE Select); coding-DNA position 468, T replaced by C.
Protein change: p.Leu156=; no amino-acid change (leucine 156 retained).
Molecular consequence: synonymous variant.
Genome position (GRCh38, 1-based): chr5:180,851,027, A>G on the plus strand (T>C on the coding strand, the complement: ZFP62 is on the minus strand). VCF-style: chr5-180851027-A-G. GRCh37 (hg19) VCF-style: chr5-180278027-A-G.
Other names: c.369T>C, p.Leu123= (NM_001377939.1, NM_001377940.1, NM_001377941.1 and 3 more transcripts); c.468T>C, p.Leu156= (NM_001377943.1, NM_001377944.1).
Identifiers: ClinVar variation 2656159 (VCV002656159.24), dbSNP rs142442586, ClinGen allele CA3607970.